The following is an entry in ClinVar:

ClinVar aggregate classification (germline): Pathogenic (1 of 4 stars; one submission).

Conditions:
Hermansky-Pudlak syndrome 1 (HPS1). Also called: DELTA STORAGE POOL DISEASE. Identifiers: Orphanet 231500, Orphanet 79430, MedGen C2931875, MONDO:0008748, OMIM 203300.

Submission:

Myriad Genetics, Inc.
Classification: Pathogenic for Hermansky-Pudlak syndrome 1. Last evaluated: 2025-07-05. Review status: criteria provided, single submitter. Criteria: Myriad Autosomal Dominant, Autosomal Recessive and X-Linked Classification Criteria (2023). Collection method: clinical testing. Allele origin: unknown.
Comment: NM_000195.3(HPS1):c.226_227delAA(N76Wfs*21) is expected to be pathogenic in the context of Hermansky-Pudlak syndrome, HPS1-related. This variant is predicted to lead to an abnormal or absent protein product due to the creation of a premature termination codon in HPS1, a gene where loss-of-function variants are known to be pathogenic. Please note: this variant was assessed in the context of healthy population screening.

NM_000195.5(HPS1):c.226_227del (p.Asn76fs)

Gene: HPS1 (HPS1 biogenesis of lysosomal organelles complex 3 subunit 1; minus strand). Cytogenetic location: 10q24.2.
Variant type: Deletion.
Coding change: c.226_227del on transcript NM_000195.5 (MANE Select); coding-DNA positions 226 to 227, 2 bases deleted (AA; older notation c.226_227delAA).
Protein change: p.Asn76fs; shifts the reading frame from asparagine 76.
Molecular consequence: frameshift variant. On other transcripts: 5 prime UTR variant (3), initiator codon variant (3).
Genome position (GRCh38, 1-based): chr10:98,435,663-98,435,664, TT deleted on the plus strand (AA on the coding strand, the reverse complement: HPS1 is on the minus strand); deleting any 2 consecutive bases within chr10:98,435,663-98,435,666 gives the same sequence; the c. name uses the placement nearest the transcript's 3' end. VCF-style (leftmost placement, unchanged base first): chr10-98435662-ATT-A. GRCh37 (hg19) VCF-style: chr10-100195419-ATT-A.
Other names: c.-691_-690del (NM_001311345.2); c.226_227del, p.Asn76fs (NM_001322476.2, NM_001322477.2, NM_001322478.2 and 8 more transcripts); c.-1_1del, p.Met1fs (NM_001322483.2, NM_001322484.2, NM_001322485.2); c.-790_-789del (NM_001322487.2); c.-548_-547del (NM_001322489.2); short protein forms M1fs, N76fs.
Identifiers: ClinVar variation 5014692 (VCV005014692.1).